The following is an entry in ClinVar:

NM_017534.6(MYH2):c.1249G>A (p.Gly417Ser)

Genes: MYHAS (myosin heavy chain gene cluster antisense RNA; plus strand), MYH2 (myosin heavy chain 2; minus strand). Cytogenetic location: 17p13.1.
Variant type: single nucleotide variant.
Coding change: c.1249G>A on transcript NM_017534.6 (MANE Select); coding-DNA position 1249, G replaced by A.
Protein change: p.Gly417Ser; replaces glycine 417 with serine.
Molecular consequence: missense variant.
Genome position (GRCh38, 1-based): chr17:10,539,461, C>T on the plus strand (G>A on the coding strand, the complement: MYH2 is on the minus strand). VCF-style: chr17-10539461-C-T. GRCh37 (hg19) VCF-style: chr17-10442778-C-T.
Other names: c.1249G>A, p.Gly417Ser (NM_001100112.2); short protein forms G417S.
Identifiers: ClinVar variation 837599 (VCV000837599.10), dbSNP rs148270782, ClinGen allele CA8391419.

ClinVar aggregate classification (germline): Uncertain significance. Review status: criteria provided, multiple submitters, no conflicts (2 of 4 stars). 4 submissions from 4 submitters: Uncertain significance (4). Last evaluated 2025-12-01.

Conditions:
Inborn genetic diseases. Identifiers: MedGen C0950123, MeSH D030342.
Myopathy, proximal, and ophthalmoplegia (CMYO6). Also called: INCLUSION BODY MYOPATHY 3, AUTOSOMAL DOMINANT; MYOPATHY WITH CONGENITAL JOINT CONTRACTURES, OPHTHALMOPLEGIA, AND RIMMED VACUOLES; CONGENITAL MYOPATHY 6 WITH OPHTHALMOPLEGIA. Identifiers: Orphanet 363677, Orphanet 79091, MedGen C1854106, MONDO:0011577, OMIM 605637.

Allele frequency attached by ClinVar (database versions not stated): gnomAD exomes 0.00005 and 0.00006; TOPMed 0.00006; ExAC 0.00007; gnomAD 0.00007 and 0.00008; ESP Exome Variant Server 0.00023.
gnomAD v4.1: 87 of 1,614,028 alleles (0.0054%); highest among the groups gnomAD compares: Non-Finnish European, 0.0068%; no homozygotes.

Submissions (4):

Labcorp Genetics (formerly Invitae), Labcorp
Classification: Uncertain significance for Myopathy, proximal, and ophthalmoplegia. Last evaluated: 2025-12-01. Review status: criteria provided, single submitter. Criteria: Invitae Variant Classification Sherloc (09022015). Collection method: clinical testing. Allele origin: germline.
Comment: This sequence change replaces glycine, which is neutral and non-polar, with serine, which is neutral and polar, at codon 417 of the MYH2 protein (p.Gly417Ser). This variant is present in population databases (rs148270782, gnomAD 0.01%). This variant has not been reported in the literature in individuals affected with MYH2-related conditions. ClinVar contains an entry for this variant (Variation ID: 837599). Invitae Evidence Modeling of protein sequence and biophysical properties (such as structural, functional, and spatial information, amino acid conservation, physicochemical variation, residue mobility, and thermodynamic stability) indicates that this missense variant is not expected to disrupt MYH2 protein function with a negative predictive value of 80%. In summary, the available evidence is currently insufficient to determine the role of this variant in disease. Therefore, it has been classified as a Variant of Uncertain Significance.

Ambry Genetics
Classification: Uncertain significance for Inborn genetic diseases. Last evaluated: 2023-12-26. Review status: criteria provided, single submitter. Criteria: Ambry Variant Classification Scheme 2023. Collection method: clinical testing. Allele origin: germline.

Revvity Omics, Revvity
Classification: Uncertain significance for Myopathy, proximal, and ophthalmoplegia. Last evaluated: 2019-04-18. Review status: criteria provided, single submitter. Criteria: ACMG Guidelines, 2015. Collection method: clinical testing. Allele origin: germline.

Baylor Genetics
Classification: Uncertain significance for Myopathy, proximal, and ophthalmoplegia. Last evaluated: 2018-04-05. Review status: criteria provided, single submitter. Criteria: ACMG Guidelines, 2015. Collection method: clinical testing. Allele origin: unknown. Affected: yes.
Comment: This variant was determined to be of uncertain significance according to ACMG Guidelines, 2015 [PMID:25741868].